The following is an entry in ClinVar:

ClinVar aggregate classification (germline): Likely benign (0 of 4 stars; one submission).

Conditions:
CDON-related disorder. Also called: CDON-related condition.

Allele frequency attached by ClinVar (database versions not stated): ExAC 0.00001; gnomAD exomes 0.00001.
gnomAD v4.1: 4 of 1,613,908 alleles (0.00025%); highest among the groups gnomAD compares: Admixed American, 0.005%; no homozygotes.

Submission:

PreventionGenetics, part of Exact Sciences
Classification: Likely benign for CDON-related condition. Last evaluated: 2021-04-13. Review status: no assertion criteria provided. Collection method: clinical testing. Allele origin: germline.
Comment: This variant is classified as likely benign based on ACMG/AMP sequence variant interpretation guidelines (Richards et al. 2015 PMID: 25741868, with internal and published modifications).

NM_001378964.1(CDON):c.3027A>T (p.Gly1009=)

Gene: CDON (cell adhesion associated, oncogene regulated; minus strand). Cytogenetic location: 11q24.2.
Variant type: single nucleotide variant.
Coding change: c.3027A>T on transcript NM_001378964.1 (MANE Select); coding-DNA position 3027, A replaced by T.
Protein change: p.Gly1009=; no amino-acid change (glycine 1009 retained).
Molecular consequence: synonymous variant.
Genome position (GRCh38, 1-based): chr11:125,981,298, T>A on the plus strand (A>T on the coding strand, the complement: CDON is on the minus strand). VCF-style: chr11-125981298-T-A. GRCh37 (hg19) VCF-style: chr11-125851193-T-A.
Other names: c.3027A>T, p.Gly1009= (NM_001243597.3, NM_016952.6).
Identifiers: ClinVar variation 3030901 (VCV003030901.2), dbSNP rs777757506, ClinGen allele CA6351524.